The following is an entry in ClinVar:

NM_001370259.2(MEN1):c.911del (p.Lys304fs)

Gene: MEN1 (menin 1; minus strand). Cytogenetic location: 11q13.1.
Variant type: Deletion.
Coding change: c.911del on transcript NM_001370259.2 (MANE Select); coding-DNA position 911, one base deleted (A; older notation c.911delA).
Protein change: p.Lys304fs; shifts the reading frame from lysine 304.
Molecular consequence: frameshift variant.
Genome position (GRCh38, 1-based): chr11:64,807,012, T deleted on the plus strand (A on the coding strand, the reverse complement: MEN1 is on the minus strand); the first of 2 consecutive T bases (chr11:64,807,012-64,807,013); deleting either gives the same sequence. VCF-style (leftmost placement, unchanged base first): chr11-64807011-CT-C. GRCh37 (hg19) VCF-style: chr11-64574483-CT-C.
Other names: c.911delA (NM_130799.2); c.926del, p.Lys309fs (NM_000244.4, NM_130800.3, NM_130801.3 and 3 more transcripts); c.911del, p.Lys304fs (NM_001370251.2, NM_001370260.2, NM_001370261.2 and 1 more transcripts); c.806del, p.Lys269fs (NM_001370262.2, NM_001370263.2); short protein forms K304fs, K309fs, K269fs.
Identifiers: ClinVar variation 823028 (VCV000823028.5), dbSNP rs1592646226, ClinGen allele CA915948179.

ClinVar aggregate classification (germline): Pathogenic (1 of 4 stars; one submission).

Conditions:
Hereditary cancer-predisposing syndrome. Also called: Tumor predisposition; Hereditary Cancer Syndrome; Neoplastic Syndromes, Hereditary; Hereditary neoplastic syndrome. Identifiers: Orphanet 140162, MedGen C0027672, MeSH D009386, MONDO:0015356.

Submission:

Ambry Genetics
Classification: Pathogenic for Hereditary cancer-predisposing syndrome. Last evaluated: 2018-08-10. Review status: criteria provided, single submitter. Criteria: Ambry Variant Classification Scheme 2023. Collection method: clinical testing. Allele origin: germline.
Comment: The c.911delA pathogenic mutation, located in coding exon 5 of the MEN1 gene, results from a deletion of one nucleotide at nucleotide position 911, causing a translational frameshift with a predicted alternate stop codon (p.K304Rfs*64). This alteration is expected to result in loss of function by premature protein truncation or nonsense-mediated mRNA decay. As such, this alteration is interpreted as a disease-causing mutation.

Literature cited by the submitters: PubMed 11765051.